The following is an entry in ClinVar:

ClinVar aggregate classification (germline): Pathogenic (1 of 4 stars; one submission).

Conditions:
Hereditary nonpolyposis colorectal neoplasms. Identifiers: MedGen C0009405, MeSH D003123.

Submission:

Labcorp Genetics (formerly Invitae), Labcorp
Classification: Pathogenic for Hereditary nonpolyposis colorectal neoplasms. Last evaluated: 2020-03-28. Review status: criteria provided, single submitter. Criteria: Invitae Variant Classification Sherloc (09022015). Collection method: clinical testing. Allele origin: germline.
Comment: This variant is not present in population databases (ExAC no frequency). This sequence change creates a premature translational stop signal (p.Val474Alafs*5) in the MSH6 gene. It is expected to result in an absent or disrupted protein product. This variant has not been reported in the literature in individuals with MSH6-related conditions. Loss-of-function variants in MSH6 are known to be pathogenic (PMID: 18269114, 24362816). For these reasons, this variant has been classified as Pathogenic.

Literature cited by the submitters: PubMed 18269114; PubMed 24362816.

NM_000179.3(MSH6):c.1421_1422del (p.Val474fs)

Gene: MSH6 (mutS homolog 6; plus strand). Cytogenetic location: 2p16.3.
Variant type: Deletion.
Coding change: c.1421_1422del on transcript NM_000179.3 (MANE Select); coding-DNA positions 1421 to 1422, 2 bases deleted (TG; older notation c.1421_1422delTG).
Protein change: p.Val474fs; shifts the reading frame from valine 474.
Molecular consequence: frameshift variant.
Genome position (GRCh38, 1-based): chr2:47,799,404-47,799,405, TG deleted; deleting any 2 consecutive bases within chr2:47,799,403-47,799,405 gives the same sequence; the c. name uses the placement nearest the transcript's 3' end. VCF-style (leftmost placement, unchanged base first): chr2-47799402-GGT-G. GRCh37 (hg19) VCF-style: chr2-48026541-GGT-G.
Other names: c.1031_1032del, p.Val344fs (NM_001281492.2); c.515_516del, p.Val172fs (NM_001281493.2, NM_001281494.2); short protein forms V172fs, V344fs, V474fs.
Identifiers: ClinVar variation 1069424 (VCV001069424.7), dbSNP rs63750854, ClinGen allele CA2499216101.
Genomic context (GRCh38, chr2:47,799,402, plus strand): 5'-AGGCAACTGGGCCCATTCTGGCTTTCCTGAAATTGCATTTGGCCGTTATTCAGATTCCCT[GGT>G]GCAGAAGGGCTATAAAGTAGCACGAGTGGAACAGACTGAGACTCCAGAAATGATGGAGGC-3'